The following is an entry in ClinVar:

NM_004260.4(RECQL4):c.1973T>C (p.Val658Ala)

Gene: RECQL4 (RecQ like helicase 4; minus strand). Cytogenetic location: 8q24.3.
Variant type: single nucleotide variant.
Coding change: c.1973T>C on transcript NM_004260.4 (MANE Select); coding-DNA position 1973, T replaced by C.
Protein change: p.Val658Ala; replaces valine 658 with alanine.
Molecular consequence: missense variant. On other transcripts: non-coding transcript variant (3).
Genome position (GRCh38, 1-based): chr8:144,514,013, A>G on the plus strand (T>C on the coding strand, the complement: RECQL4 is on the minus strand). VCF-style: chr8-144514013-A-G. GRCh37 (hg19) VCF-style: chr8-145739397-A-G.
Other names: c.770T>C, p.Val257Ala (NM_001413037.1); c.902T>C, p.Val301Ala (NM_001413038.1, NM_001413040.1, NM_001413028.1 and 6 more transcripts); c.1943T>C, p.Val648Ala (NM_001413039.1); c.836T>C, p.Val279Ala (NM_001413041.1, NM_001413027.1, NM_001413030.1 and 1 more transcripts); c.872T>C, p.Val291Ala (NM_001413042.1); c.506T>C, p.Val169Ala (NM_001413043.1); c.1622T>C, p.Val541Ala (NM_001413029.1); c.704T>C, p.Val235Ala (NM_001413031.1); and 4 more; short protein forms V257A, V614A, V615A, V235A, V279A, V648A, V169A, V291A.
Identifiers: ClinVar variation 4745357 (VCV004745357.1).
Genomic context (GRCh38, chr8:144,514,013, plus strand): 5'-ACGGAAAGGTGCAGGTTGGTGGGAACTGGGGCTGGCCCGTGGAGGTCAGGCTCTTCAGCC[A>G]CAGCCAGGTGCTGTGCCACGTCACTGGCAGTGCGGCGTGTGGCTGTGGCTGTGAGGCCCA-3'
Protein context (NP_004251.4, residues 648-668): TASDVAQHLA[Val658Ala]AEEPDLHGPA

ClinVar aggregate classification (germline): Uncertain significance (1 of 4 stars; one submission).

Conditions:
Baller-Gerold syndrome (BGS). Also called: CRANIOSYNOSTOSIS WITH RADIAL DEFECTS. Identifiers: Orphanet 1225, MedGen C0265308, MONDO:0009039, OMIM 218600.

gnomAD v4.1: 2 of 1,570,924 alleles (0.00013%); highest among the groups gnomAD compares: South Asian, 0.0023%; no homozygotes.

Submission:

Labcorp Genetics (formerly Invitae), Labcorp
Classification: Uncertain significance for Baller-Gerold syndrome. Last evaluated: 2025-08-24. Review status: criteria provided, single submitter. Criteria: Invitae Variant Classification Sherloc (09022015). Collection method: clinical testing. Allele origin: germline.
Comment: This sequence change replaces valine, which is neutral and non-polar, with alanine, which is neutral and non-polar, at codon 658 of the RECQL4 protein (p.Val658Ala). The frequency data for this variant in the population databases is considered unreliable, as metrics indicate poor data quality at this position in the gnomAD database. This variant has not been reported in the literature in individuals affected with RECQL4-related conditions. Invitae Evidence Modeling of protein sequence and biophysical properties (such as structural, functional, and spatial information, amino acid conservation, physicochemical variation, residue mobility, and thermodynamic stability) indicates that this missense variant is expected to disrupt RECQL4 protein function with a positive predictive value of 80%. In summary, the available evidence is currently insufficient to determine the role of this variant in disease. Therefore, it has been classified as a Variant of Uncertain Significance.